The following is an entry in ClinVar:

ClinVar aggregate classification (germline): Uncertain significance. Review status: criteria provided, multiple submitters, no conflicts (2 of 4 stars). 3 submissions from 3 submitters: Uncertain significance (3). Last evaluated 2025-11-08.

Conditions:
Congenital myopathy. Identifiers: Orphanet 97245, MedGen C0270960, MONDO:0019952.
Inborn genetic diseases. Identifiers: MedGen C0950123, MeSH D030342.

gnomAD v4.1: 55 of 1,613,936 alleles (0.0034%); highest among the groups gnomAD compares: South Asian, 0.053%; no homozygotes.

Submissions (3):

Ambry Genetics
Classification: Uncertain significance for Inborn genetic diseases. Last evaluated: 2025-11-08. Review status: criteria provided, single submitter. Criteria: Ambry Variant Classification Scheme 2023. Collection method: clinical testing. Allele origin: germline.

Women's Health and Genetics/Laboratory Corporation of America, LabCorp
Classification: Uncertain significance. Last evaluated: 2025-02-05. Review status: criteria provided, single submitter. Criteria: LabCorp Variant Classification Summary - May 2015. Collection method: clinical testing. Allele origin: germline.
Comment: Variant summary: SPEG c.4157T>G (p.Leu1386Arg) results in a non-conservative amino acid change located in the Fibronectin type-III domain (IPR003961) of the encoded protein sequence. Four of five in-silico tools predict a damaging effect of the variant on protein function. The variant allele was found at a frequency of 7.6e-05 in 249254 control chromosomes. This frequency is not significantly higher than estimated for a pathogenic variant in SPEG causing Myopathy, Centronuclear, 5, allowing no conclusion about variant significance. To our knowledge, no occurrence of c.4157T>G in individuals affected with Myopathy, Centronuclear, 5 and no experimental evidence demonstrating its impact on protein function have been reported. No submitters have cited clinical-significance assessments for this variant to ClinVar. Based on the evidence outlined above, the variant was classified as uncertain significance.

Cambridge Genomics Laboratory, East Genomic Laboratory Hub, NHS Genomic Medicine Service
Classification: Uncertain significance for Congenital myopathy. Last evaluated: 2019-04-17. Review status: criteria provided, single submitter. Criteria: ACGS Best Practice Guidelines for Variant Classification in Rare Disease 2020. Collection method: clinical testing. Allele origin: germline. Affected: yes. Observed: 1 variant allele.

NM_005876.5(SPEG):c.4157T>G (p.Leu1386Arg)

Gene: SPEG (striated muscle enriched protein kinase; plus strand). Cytogenetic location: 2q35.
Variant type: single nucleotide variant.
Coding change: c.4157T>G on transcript NM_005876.5 (MANE Select); coding-DNA position 4157, T replaced by G.
Protein change: p.Leu1386Arg; replaces leucine 1386 with arginine.
Molecular consequence: missense variant.
Genome position (GRCh38, 1-based): chr2:219,473,513, T>G. VCF-style: chr2-219473513-T-G. GRCh37 (hg19) VCF-style: chr2-220338235-T-G.
Other names: c.4157T>G (NM_005876.4); short protein forms L1386R.
Identifiers: ClinVar variation 3768731 (VCV003768731.3).